The following is an entry in ClinVar:

ClinVar aggregate classification (germline): Benign/Likely benign. Review status: criteria provided, multiple submitters, no conflicts (2 of 4 stars). 8 submissions from 8 submitters: Benign (1); Likely benign (6). 1 of the submissions does not count toward it. Last evaluated 2026-09-01.

Conditions:
Saldino-Mainzer syndrome (SRTD9). Also called: Renal dysplasia, retinal pigmentary dystrophy, cerebellar ataxia and skeletal dysplasia; SHORT-RIB THORACIC DYSPLASIA 9 WITHOUT POLYDACTYLY; CONORENAL SYNDROME; short-rib thoracic dysplasia 9 with or without polydactyly. Identifiers: Orphanet 140969, MedGen C1849437, MONDO:0009964, OMIM 266920.

Allele frequency attached by ClinVar (database versions not stated): 1000 Genomes Project 0.00120; 1000 Genomes Project 30x 0.00125; ExAC 0.00219; gnomAD exomes 0.00255 and 0.00429; TOPMed 0.00317; gnomAD 0.00337 and 0.00344; ESP Exome Variant Server 0.00362.
gnomAD v4.1: 6,759 of 1,614,166 alleles (0.42%); highest among the groups gnomAD compares: Non-Finnish European, 0.51%; 12 homozygotes.

Submissions (8):

CeGaT Center for Human Genetics Tuebingen
Classification: Likely benign. Last evaluated: 2026-09-01. Review status: criteria provided, single submitter. Criteria: CeGaT Center For Human Genetics Tuebingen Variant Classification Criteria Version 2. Collection method: clinical testing. Allele origin: germline. Affected: yes. Observed: 8 variant alleles.
Comment: IFT140: BP4, BP7

Labcorp Genetics (formerly Invitae), Labcorp
Classification: Benign for Saldino-Mainzer syndrome. Last evaluated: 2026-02-04. Review status: criteria provided, single submitter. Criteria: Invitae Variant Classification Sherloc (09022015). Collection method: clinical testing. Allele origin: germline.

Blueprint Genetics
Classification: Likely benign. Last evaluated: 2024-10-26. Review status: criteria provided, single submitter. Criteria: ACMG Guidelines, 2015. Collection method: clinical testing. Allele origin: germline.

Genetic Services Laboratory, University of Chicago
Classification: Likely benign. Last evaluated: 2019-03-14. Review status: criteria provided, single submitter. Criteria: ACMG Guidelines, 2015. Collection method: clinical testing. Allele origin: germline. Affected: no.

Eurofins Ntd Llc (ga)
Classification: Likely benign. Last evaluated: 2018-06-28. Review status: criteria provided, single submitter. Criteria: EGL ClinVar v180209 classification definitions. Collection method: clinical testing. Allele origin: germline. Observed: 1 variant allele, 1 heterozygote.

Illumina Laboratory Services, Illumina
Classification: Likely benign for Saldino-Mainzer syndrome. Last evaluated: 2018-01-13. Review status: criteria provided, single submitter. Criteria: ICSL Variant Classification Criteria 13 December 2019. Collection method: clinical testing. Allele origin: germline.
Comment: This variant was observed in the ICSL laboratory as part of a predisposition screen in an ostensibly healthy population. It had not been previously curated by ICSL or reported in the Human Gene Mutation Database (HGMD: prior to June 1st, 2018), and was therefore a candidate for classification through an automated scoring system. Utilizing variant allele frequency, disease prevalence and penetrance estimates, and inheritance mode, an automated score was calculated to assess if this variant is too frequent to cause the disease. Based on the score and internal cut-off values, a variant classified as likely benign is not then subjected to further curation. The score for this variant resulted in a classification of likely benign for this disease.

Clinical Genetics DNA and cytogenetics Diagnostics Lab, Erasmus MC, Erasmus Medical Center
Classification: Likely benign for Saldino-Mainzer syndrome. Last evaluated: 2015-09-21. Review status: criteria provided, single submitter. Criteria: ACGS Guidelines, 2013. Collection method: clinical testing. Allele origin: germline. Affected: yes. Study: VKGL Data-share Consensus.

Clinical Genetics, Academic Medical Center
Classification: Benign. Review status: no assertion criteria provided. Collection method: clinical testing. Allele origin: germline. Affected: yes. Study: VKGL Data-share Consensus. Not counted in ClinVar's aggregate classification.

NM_014714.4(IFT140):c.3711C>T (p.Phe1237=)

Gene: IFT140 (intraflagellar transport 140; minus strand). Cytogenetic location: 16p13.3.
Variant type: single nucleotide variant.
Coding change: c.3711C>T on transcript NM_014714.4 (MANE Select); coding-DNA position 3711, C replaced by T.
Protein change: p.Phe1237=; no amino-acid change (phenylalanine 1237 retained).
Molecular consequence: synonymous variant.
Genome position (GRCh38, 1-based): chr16:1,520,293, G>A on the plus strand (C>T on the coding strand, the complement: IFT140 is on the minus strand). VCF-style: chr16-1520293-G-A. GRCh37 (hg19) VCF-style: chr16-1570294-G-A.
Identifiers: ClinVar variation 317999 (VCV000317999.49), dbSNP rs146172074, ClinGen allele CA7813054.
Genomic context (GRCh38, chr16:1,520,293, plus strand): 5'-CAGGGACTGCAGGTAGTTAGCAGCCATGATGTAGATTTCCTTCTGCCTGGACACGCTCGC[G>A]AAGAACGTGATTTTCTCCGTGTCTCCGGATTTGAGCAGCGCCCTCATGGCCTAGGCAGAG-3'
Protein context (NP_055529.2, residues 1227-1247): KSGDTEKITF[Phe1237=]ASVSRQKEIY